The following is an entry in ClinVar:

ClinVar aggregate classification (germline): Likely pathogenic (1 of 4 stars; one submission).

Conditions:
Baller-Gerold syndrome (BGS). Also called: CRANIOSYNOSTOSIS WITH RADIAL DEFECTS. Identifiers: Orphanet 1225, MedGen C0265308, MONDO:0009039, OMIM 218600.

gnomAD v4.1: 3 of 1,612,162 alleles (0.00019%); highest among the groups gnomAD compares: Non-Finnish European, 0.00025%; no homozygotes.

Submission:

Labcorp Genetics (formerly Invitae), Labcorp
Classification: Likely pathogenic for Baller-Gerold syndrome. Last evaluated: 2024-01-20. Review status: criteria provided, single submitter. Criteria: Invitae Variant Classification Sherloc (09022015). Collection method: clinical testing. Allele origin: germline.
Comment: This sequence change affects an acceptor splice site in intron 17 of the RECQL4 gene. It is expected to disrupt RNA splicing. Variants that disrupt the donor or acceptor splice site typically lead to a loss of protein function (PMID: 16199547), and loss-of-function variants in RECQL4 are known to be pathogenic (PMID: 12734318, 12952869). This variant is not present in population databases (gnomAD no frequency). Disruption of this splice site has been observed in individual(s) with Baller-Gerold syndrome (PMID: 15964893). ClinVar contains an entry for this variant (Variation ID: 1937297). Algorithms developed to predict the effect of sequence changes on RNA splicing suggest that this variant may disrupt the consensus splice site. In summary, the currently available evidence indicates that the variant is pathogenic, but additional data are needed to prove that conclusively. Therefore, this variant has been classified as Likely Pathogenic.

Literature cited by the submitters: PubMed 16199547; PubMed 12734318; PubMed 12952869; PubMed 15964893.

NM_004260.4(RECQL4):c.3056-1G>T

Gene: RECQL4 (RecQ like helicase 4; minus strand). Cytogenetic location: 8q24.3.
Variant type: single nucleotide variant.
Coding change: c.3056-1G>T on transcript NM_004260.4 (MANE Select); the canonical splice acceptor site of the intron before coding-DNA position 3056, G replaced by T.
Molecular consequence: splice acceptor variant.
Genome position (GRCh38, 1-based): chr8:144,512,325, C>A on the plus strand (G>T on the coding strand, the complement: RECQL4 is on the minus strand). VCF-style: chr8-144512325-C-A. GRCh37 (hg19) VCF-style: chr8-145737708-C-A.
Other names: c.2927-1G>T (NM_001413025.1); c.2705-1G>T (NM_001413029.1); c.1919-1G>T (NM_001413032.1, NM_001413027.1, NM_001413030.1); c.1985-1G>T (NM_001413035.1, NM_001413040.1, NM_001413021.1 and 4 more transcripts); c.2762-1G>T (NM_001413017.1); c.2960-1G>T (NM_001413020.1); c.3026-1G>T (NM_001413039.1); c.2924-1G>T (NM_001413033.1); and 9 more.
Identifiers: ClinVar variation 1937297 (VCV001937297.5), dbSNP rs768685242, ClinGen allele CA372670990.